The following is an entry in ClinVar:

NM_020975.6(RET):c.2608-8C>T

Gene: RET (ret proto-oncogene; plus strand). Cytogenetic location: 10q11.21.
Variant type: single nucleotide variant.
Coding change: c.2608-8C>T on transcript NM_020975.6 (MANE Select); 8 bases into the intron before coding-DNA position 2608, C replaced by T.
Molecular consequence: intron variant.
Genome position (GRCh38, 1-based): chr10:43,120,073, C>T. VCF-style: chr10-43120073-C-T. GRCh37 (hg19) VCF-style: chr10-43615521-C-T.
Other names: c.2608-8C>T (NM_020630.7, NM_001406743.1, NM_001406744.1 and 2 more transcripts); c.2473-8C>T (NM_001406765.1, NM_001406763.1); c.2212-8C>T (NM_001406772.1, NM_001406769.1); c.2170-8C>T (NM_001406773.1, NM_001406771.1); c.1711-8C>T (NM_001406782.1, NM_001406780.1, NM_001406779.1 and 1 more transcripts); c.1576-8C>T (NM_001406787.1); c.1591-8C>T (NM_001406785.1); c.2479-8C>T (NM_001406764.1, NM_001406762.1, NM_001406761.1); and 10 more.
Identifiers: ClinVar variation 3379184 (VCV003379184.1).

ClinVar aggregate classification (germline): Benign (1 of 4 stars; one submission).

Conditions:
Multiple endocrine neoplasia type 2A. Also called: Multiple Endocrine Neoplasia Type 2A (MEN2A); MULTIPLE ENDOCRINE NEOPLASIA, TYPE IIA; PTC SYNDROME; SIPPLE SYNDROME; MEN 2A; MEN-2A syndrome. Identifiers: Orphanet 247698, Orphanet 653, MedGen C0025268, MeSH D018813, MONDO:0008234, OMIM 171400.

gnomAD v4.1: 15 of 1,613,384 alleles (0.00093%); highest among the groups gnomAD compares: South Asian, 0.016%; 2 homozygotes.

Submission:

Myriad Genetics, Inc.
Classification: Benign for Multiple endocrine neoplasia type 2A. Last evaluated: 2024-09-05. Review status: criteria provided, single submitter. Criteria: Myriad Autosomal Dominant, Autosomal Recessive and X-Linked Classification Criteria (2023). Collection method: clinical testing. Allele origin: unknown.
Comment: This variant is considered benign. This variant is intronic and is not expected to impact mRNA splicing. This variant has been observed at a population frequency that is significantly greater than expected given the associated disease prevalence and penetrance.